The following is an entry in ClinVar:

NM_080669.6(SLC46A1):c.*4584C>T

Genes: SLC46A1 (solute carrier family 46 member 1; minus strand), SARM1 (sterile alpha and TIR motif containing 1; plus strand). Cytogenetic location: 17q11.2.
Variant type: single nucleotide variant.
Coding change: c.*4584C>T on transcript NM_080669.6 (MANE Select); 4584 bases downstream of the stop codon, C replaced by T.
Molecular consequence: 3 prime UTR variant. On other transcripts: intron variant (1).
Genome position (GRCh38, 1-based): chr17:28,395,072, G>A on the plus strand (C>T on the coding strand, the complement: SLC46A1 is on the minus strand). VCF-style: chr17-28395072-G-A. GRCh37 (hg19) VCF-style: chr17-26722091-G-A.
Other names: c.*4584C>T (NM_001242366.3); c.1924-833G>A (NM_015077.4).
Identifiers: ClinVar variation 888567 (VCV000888567.4), dbSNP rs116278566, ClinGen allele CA289110690.

ClinVar aggregate classification (germline): Benign (1 of 4 stars; one submission).

Conditions:
Congenital defect of folate absorption. Also called: Hereditary Folate Malabsorption. Identifiers: Orphanet 90045, MedGen C0342705, MONDO:0009238, OMIM 229050.

Allele frequency attached by ClinVar (database versions not stated): 1000 Genomes Project 0.00579; TOPMed 0.00644; 1000 Genomes Project 30x 0.00687.

Submission:

Illumina Laboratory Services, Illumina
Classification: Benign for Congenital defect of folate absorption. Last evaluated: 2018-01-13. Review status: criteria provided, single submitter. Criteria: ICSL Variant Classification Criteria 13 December 2019. Collection method: clinical testing. Allele origin: germline.
Comment: This variant was observed in the ICSL laboratory as part of a predisposition screen in an ostensibly healthy population. It had not been previously curated by ICSL or reported in the Human Gene Mutation Database (HGMD: prior to June 1st, 2018), and was therefore a candidate for classification through an automated scoring system. Utilizing variant allele frequency, disease prevalence and penetrance estimates, and inheritance mode, an automated score was calculated to assess if this variant is too frequent to cause the disease. Based on the score and internal cut-off values, a variant classified as benign is not then subjected to further curation. The score for this variant resulted in a classification of benign for this disease.